The following is an entry in ClinVar:

NM_017988.6(SCYL2):c.2734dup (p.Thr912fs)

Gene: SCYL2 (SCY1 like pseudokinase 2; plus strand). Cytogenetic location: 12q23.1.
Variant type: Duplication.
Coding change: c.2734dup on transcript NM_017988.6 (MANE Select); coding-DNA position 2734, one base duplicated (A; older notation c.2734dupA).
Protein change: p.Thr912fs; shifts the reading frame from threonine 912.
Molecular consequence: frameshift variant.
Genome position (GRCh38, 1-based): chr12:100,339,116, A duplicated; the last of 2 consecutive A bases (chr12:100,339,115-100,339,116); duplicating either gives the same sequence. VCF-style (leftmost placement, unchanged base first): chr12-100339114-C-CA. GRCh37 (hg19) VCF-style: chr12-100732892-C-CA.
Other names: c.2734dup, p.Thr912fs (NM_001317784.2); c.2746dup, p.Thr916fs (NM_001330253.2, NM_001330254.2); c.2227dup, p.Thr743fs (NM_001330256.2); short protein forms T743fs, T912fs, T916fs.
Identifiers: ClinVar variation 2230342 (VCV002230342.2), dbSNP rs772888748, ClinGen allele CA6738595.

ClinVar aggregate classification (germline): Uncertain significance (1 of 4 stars; one submission).

Conditions:
Inborn genetic diseases. Identifiers: MedGen C0950123, MeSH D030342.

Submission:

Ambry Genetics
Classification: Uncertain significance for Inborn genetic diseases. Last evaluated: 2021-04-20. Review status: criteria provided, single submitter. Criteria: Ambry Variant Classification Scheme 2023. Collection method: clinical testing. Allele origin: germline.
Comment: The c.2734dupA (p.T912Nfs*6) alteration, located in exon 18 (coding exon 17) of the SCYL2 gene, consists of a duplication of A at position 2734, causing a translational frameshift with a predicted alternate stop codon after 6 amino acids. This alteration occurs at the 3' terminus of the SCYL2 gene, is not expected to trigger nonsense-mediated mRNA decay, and only impacts the last 1.8% of the protein. The exact functional effect of this alteration is unknown. Based on insufficient or conflicting evidence, the clinical significance of this alteration remains unclear.